The following is an entry in ClinVar:

ClinVar aggregate classification (germline): Uncertain significance (1 of 4 stars; one submission).

Conditions:
Cardiomyopathy (CMYO). Also called: Cardiomyopathies. Identifiers: Orphanet 167848, MedGen C0878544, MONDO:0004994, HP:0001638. Inheritance: Various modes of inheritance.

Allele frequency attached by ClinVar (database versions not stated): TOPMed below 0.00001.

Submission:

Color Diagnostics, LLC DBA Color Health
Classification: Uncertain significance for Cardiomyopathy. Last evaluated: 2019-07-12. Review status: criteria provided, single submitter. Criteria: ACMG Guidelines, 2015. Collection method: clinical testing. Allele origin: germline.
Comment: This missense variant replaces leucine with phenylalanine at codon 1111 of the MYH7 protein. Computational prediction tools and conservation analyses suggest that this variant may have deleterious impact on the protein function. Computational splicing tools suggest that this variant may not impact RNA splicing. To our knowledge, functional assays have not been performed for this variant nor has this variant been reported in individuals affected with cardiovascular disorders in the literature. This variant has not been identified in the general population by the Genome Aggregation Database (gnomAD). Available evidence is insufficient to determine the role of this variant in disease conclusively. Therefore, this variant is classified as a Variant of Uncertain Significance.

NM_000257.4(MYH7):c.3331C>T (p.Leu1111Phe)

Gene: MYH7 (myosin heavy chain 7; minus strand). Cytogenetic location: 14q11.2.
Variant type: single nucleotide variant.
Coding change: c.3331C>T on transcript NM_000257.4 (MANE Select); coding-DNA position 3331, C replaced by T.
Protein change: p.Leu1111Phe; replaces leucine 1111 with phenylalanine.
Molecular consequence: missense variant.
Genome position (GRCh38, 1-based): chr14:23,420,963, G>A on the plus strand (C>T on the coding strand, the complement: MYH7 is on the minus strand). VCF-style: chr14-23420963-G-A. GRCh37 (hg19) VCF-style: chr14-23890172-G-A.
Other names: short protein forms L1111F.
Identifiers: ClinVar variation 922231 (VCV000922231.3), dbSNP rs1346156456, ClinGen allele CA389044302.